The following is an entry in ClinVar:

NM_001128159.3(VPS53):c.2371C>T (p.Arg791Cys)

Gene: VPS53 (VPS53 subunit of GARP complex; minus strand). Cytogenetic location: 17p13.3.
Variant type: single nucleotide variant.
Coding change: c.2371C>T on transcript NM_001128159.3 (MANE Select); coding-DNA position 2371, C replaced by T.
Protein change: p.Arg791Cys; replaces arginine 791 with cysteine.
Molecular consequence: missense variant.
Genome position (GRCh38, 1-based): chr17:519,256, G>A on the plus strand (C>T on the coding strand, the complement: VPS53 is on the minus strand). VCF-style: chr17-519256-G-A. GRCh37 (hg19) VCF-style: chr17-422496-G-A.
Other names: short protein forms R791C.
Identifiers: ClinVar variation 1677137 (VCV001677137.2), dbSNP rs1188509631, ClinGen allele CA397709334.
Genomic context (GRCh38, chr17:519,256, plus strand): 5'-CCGTCAGGGACAGTGAGCCGGAGCTTTCTGCCCCCGAGGGCGGTGCGGGGAGCCGCTGGC[G>A]CAGGAGTTCCAGCATGCTGCTCTGCTCACTCCTCTTCAGCCCCTGAGGTTGAGAGAGAAA-3'
Protein context (NP_001121631.1, residues 781-801): SEQSSMLELL[Arg791Cys]QRLPAPPSGA

ClinVar aggregate classification (germline): Uncertain significance. Review status: criteria provided, multiple submitters, no conflicts (2 of 4 stars). 2 submissions from 2 submitters: Uncertain significance (2). Last evaluated 2025-09-16.

Conditions:
VPS53-related disorder. Also called: VPS53-related condition.

Allele frequency attached by ClinVar (database versions not stated): gnomAD exomes below 0.00001; TOPMed 0.00001; gnomAD 0.00002 and 0.00003; 1000 Genomes Project 30x 0.00016.
gnomAD v4.1: 10 of 1,538,966 alleles (0.00065%); highest among the groups gnomAD compares: East Asian, 0.0025%; no homozygotes.

Submissions (2):

PreventionGenetics, part of Exact Sciences
Classification: Uncertain significance for VPS53-related condition. Last evaluated: 2025-09-16. Review status: criteria provided, single submitter. Criteria: ACMG Guidelines, 2015. Collection method: clinical testing. Allele origin: germline.
Comment: The VPS53 c.2371C>T variant is predicted to result in the amino acid substitution p.Arg791Cys. To our knowledge, this variant has not been reported in the literature. This variant is reported in 0.013% of alleles in individuals of Ashkenazi Jewish descent in gnomAD. At this time, the clinical significance of this variant is uncertain due to the absence of conclusive functional and genetic evidence.

Women's Health and Genetics/Laboratory Corporation of America, LabCorp
Classification: Uncertain significance. Last evaluated: 2022-03-18. Review status: criteria provided, single submitter. Criteria: LabCorp Variant Classification Summary - May 2015. Collection method: clinical testing. Allele origin: germline.